The following is an entry in ClinVar:

ClinVar aggregate classification (germline): Uncertain significance. Review status: criteria provided, multiple submitters, no conflicts (2 of 4 stars). 3 submissions from 3 submitters: Uncertain significance (3). Last evaluated 2026-03-04.

Conditions:
Cardiovascular phenotype. Identifiers: MedGen CN230736.

Allele frequency attached by ClinVar (database versions not stated): gnomAD exomes below 0.00001 and 0.00001; TOPMed below 0.00001; ExAC 0.00003.
gnomAD v4.1: 5 of 1,598,020 alleles (0.00031%); highest among the groups gnomAD compares: South Asian, 0.0022%; no homozygotes.

Submissions (3):

Women's Health and Genetics/Laboratory Corporation of America, LabCorp
Classification: Uncertain significance. Last evaluated: 2026-03-04. Review status: criteria provided, single submitter. Criteria: LabCorp Variant Classification Summary - May 2015. Collection method: clinical testing. Allele origin: germline.
Comment: Variant summary: PRDM5 c.1550A>G (p.Tyr517Cys) results in a non-conservative amino acid change in the encoded protein sequence. Algorithms developed to predict the effect of missense changes on protein structure and function are either unavailable or do not agree on the potential impact of this missense change. The variant allele was found at a frequency of 8e-06 in 250782 control chromosomes. The available data on variant occurrences in the general population are insufficient to allow any conclusion about variant significance. To our knowledge, no occurrence of c.1550A>G in individuals affected with PRDM5-related conditions and no experimental evidence demonstrating its impact on protein function have been reported. ClinVar contains an entry for this variant (Variation ID: 1320699). Based on the evidence outlined above, the variant was classified as uncertain significance.

GeneDx
Classification: Uncertain significance. Last evaluated: 2024-05-02. Review status: criteria provided, single submitter. Criteria: GeneDx Variant Classification Process June 2021. Collection method: clinical testing. Allele origin: germline. Affected: yes.
Comment: Has not been previously published as pathogenic or benign to our knowledge; Not observed at significant frequency in large population cohorts (gnomAD); In silico analysis supports that this missense variant has a deleterious effect on protein structure/function

Ambry Genetics
Classification: Uncertain significance for Cardiovascular phenotype. Last evaluated: 2024-03-18. Review status: criteria provided, single submitter. Criteria: Ambry Variant Classification Scheme 2023. Collection method: clinical testing. Allele origin: germline.
Comment: The p.Y517C variant (also known as c.1550A>G), located in coding exon 14 of the PRDM5 gene, results from an A to G substitution at nucleotide position 1550. The tyrosine at codon 517 is replaced by cysteine, an amino acid with highly dissimilar properties. This amino acid position is conserved. In addition, this alteration is predicted to be deleterious by in silico analysis. Since supporting evidence is limited at this time, the clinical significance of this alteration remains unclear.

NM_018699.4(PRDM5):c.1550A>G (p.Tyr517Cys)

Gene: PRDM5 (PR/SET domain 5; minus strand). Cytogenetic location: 4q27.
Variant type: single nucleotide variant.
Coding change: c.1550A>G on transcript NM_018699.4 (MANE Select); coding-DNA position 1550, A replaced by G.
Protein change: p.Tyr517Cys; replaces tyrosine 517 with cysteine.
Molecular consequence: missense variant. On other transcripts: intron variant (1).
Genome position (GRCh38, 1-based): chr4:120,754,626, T>C on the plus strand (A>G on the coding strand, the complement: PRDM5 is on the minus strand). VCF-style: chr4-120754626-T-C. GRCh37 (hg19) VCF-style: chr4-121675781-T-C.
Other names: c.1457A>G, p.Tyr486Cys (NM_001300823.2, NM_001379106.1); c.1583A>G, p.Tyr528Cys (NM_001379104.1); c.1444+22562A>G (NM_001300824.2); short protein forms Y486C, Y517C, Y528C.
Identifiers: ClinVar variation 1320699 (VCV001320699.6), dbSNP rs763317084, ClinGen allele CA3061009.